The following is an entry in ClinVar:

NM_024675.4(PALB2):c.1179A>G (p.Lys393=)

Gene: PALB2 (partner and localizer of BRCA2; minus strand). Cytogenetic location: 16p12.2.
Variant type: single nucleotide variant.
Coding change: c.1179A>G on transcript NM_024675.4 (MANE Select); coding-DNA position 1179, A replaced by G.
Protein change: p.Lys393=; no amino-acid change (lysine 393 retained).
Molecular consequence: synonymous variant.
Genome position (GRCh38, 1-based): chr16:23,635,367, T>C on the plus strand (A>G on the coding strand, the complement: PALB2 is on the minus strand). VCF-style: chr16-23635367-T-C. GRCh37 (hg19) VCF-style: chr16-23646688-T-C.
Identifiers: ClinVar variation 422052 (VCV000422052.19), dbSNP rs976340416, ClinGen allele CA16620151.

ClinVar aggregate classification (germline): Conflicting classifications of pathogenicity. Review status: criteria provided, conflicting classifications (1 of 4 stars). 5 submissions from 5 submitters: Uncertain significance (1); Benign (1); Likely benign (3). Last evaluated 2025-01-13.

Conditions:
Hereditary cancer-predisposing syndrome. Also called: Hereditary neoplastic syndrome; Neoplastic Syndromes, Hereditary; Tumor predisposition; Hereditary Cancer Syndrome. Identifiers: Orphanet 140162, MedGen C0027672, MeSH D009386, MONDO:0015356.
Familial cancer of breast. Also called: Hereditary breast cancer; BREAST CANCER, FAMILIAL; hereditary breast carcinoma. Identifiers: Orphanet 227535, MedGen C0346153, MONDO:0016419, OMIM 114480. Disease mechanism: loss of function.

Allele frequency attached by ClinVar (database versions not stated): gnomAD exomes below 0.00001; gnomAD 0.00001; TOPMed 0.00002.
gnomAD v4.1: 6 of 1,613,840 alleles (0.00037%); highest among the groups gnomAD compares: Non-Finnish European, 0.00051%; no homozygotes.

Submissions (5):

Myriad Genetics, Inc.
Classification: Benign for Familial cancer of breast. Last evaluated: 2025-01-13. Review status: criteria provided, single submitter. Criteria: Myriad Autosomal Dominant, Autosomal Recessive and X-Linked Classification Criteria (2023). Collection method: clinical testing. Allele origin: unknown.
Comment: This variant is considered benign. This variant is a silent/synonymous amino acid change and it is not expected to impact splicing.

Labcorp Genetics (formerly Invitae), Labcorp
Classification: Likely benign for Familial cancer of breast. Last evaluated: 2024-06-10. Review status: criteria provided, single submitter. Criteria: Invitae Variant Classification Sherloc (09022015). Collection method: clinical testing. Allele origin: germline.

Color Diagnostics, LLC DBA Color Health
Classification: Likely benign for Hereditary cancer-predisposing syndrome. Last evaluated: 2017-11-30. Review status: criteria provided, single submitter. Criteria: ACMG Guidelines, 2015. Collection method: clinical testing. Allele origin: germline.

GeneDx
Classification: Uncertain significance. Last evaluated: 2017-06-09. Review status: criteria provided, single submitter. Criteria: GeneDx Variant Classification (06012015). Collection method: clinical testing. Allele origin: germline. Affected: yes.
Comment: This variant is denoted PALB2 c.1179A>G at the DNA level. This variant is silent at the coding level, preserving a Lysine at codon 393. It is not predicted to cause abnormal splicing. This variant has not, to our knowledge, been published in the literature as being pathogenic or benign. PALB2 c.1179A>G was not observed in large population cohorts (NHLBI Exome Sequencing Project, The 1000 Genomes Consortium 2015, Lek 2016). The nucleotide which is altered, an adenine (A) at base 1179, is conserved in mammals. Based on currently available information, it is unclear whether PALB2 c.1179A>G is a pathogenic or benign variant. We consider it to be a variant of uncertain significance.

Ambry Genetics
Classification: Likely benign for Hereditary cancer-predisposing syndrome. Last evaluated: 2016-06-09. Review status: criteria provided, single submitter. Criteria: Ambry Variant Classification Scheme 2023. Collection method: clinical testing. Allele origin: germline.